The following continues an entry in ClinVar:

NM_000218.3(KCNQ1):c.760G>A (p.Val254Met)

Gene: KCNQ1. ClinVar aggregate classification (germline): Pathogenic. Pathogenic (1).

Submissions 8 to 12 of 12:

Victorian Clinical Genetics Services, Murdoch Childrens Research Institute
Classification: Pathogenic for Long QT syndrome 1. Last evaluated: 2022-02-02. Review status: criteria provided, single submitter. Criteria: ACMG Guidelines, 2015. Collection method: clinical testing. Allele origin: germline. Inheritance: Autosomal dominant inheritance. Affected: yes. Not counted in ClinVar's aggregate classification.
Comment: Based on the classification scheme VCGS_Germline_v1.3.4, this variant is classified as Pathogenic. Following criteria are met: 0103 - Dominant negative, loss of function and gain of function are known mechanisms of disease in this gene. Gain of function variants result exclusively in short QT syndrome (MIM#609621), while dominant negative and loss of function variants can cause long QT syndrome (LQTS, MIM#192500), atrial fibrillation (MIM#607554) and Jervell and Lange-Nielsen syndrome (JLNS, MIM#220400) (OMIM, PMIDs: 19632626, 28438721). (I) 0108 - This gene is known to be associated with both recessive and dominant disease. JLNS is characterized by congenital, bilateral deafness and variable degrees of QT prolongation, and is the only condition caused by biallelic variants (PMID: 28438721). (I) 0112 - The condition associated with this gene has incomplete penetrance (OMIM, GeneReviews). (I) 0200 - Variant is predicted to result in a missense amino acid change from valine to methionine. (I) 0251 - This variant is heterozygous. (I) 0301 - Variant is absent from gnomAD (both v2 and v3). (SP) 0501 - Missense variant consistently predicted to be damaging by multiple in silico tools or highly conserved with a major amino acid change. (SP) 0600 - Variant is located in the annotated ion transport C-loop domain (Decipher, PMID: 22456477). (I) 0801 - This variant has strong previous evidence of pathogenicity in unrelated individuals. This variant has been reported in at least twenty individuals with prolonged QT (PMIDs: 22456477, 29439887). (SP) 0901 - This variant has strong evidence for segregation with disease. This variant has been shown to segregate in multiple families with prolonged QT (PMID: 29439887). (SP) 1002 - This variant has moderate functional evidence supporting abnormal protein function. The p.V254M mutant construct transfected into HEK293T cells demonstrated impaired response to forskolin and a dominant-negative effect when co-transfected with the WT construct, compared to WT only cells (PMID: 22456477). (SP) 1208 - Inheritance information for this variant is not currently available in this individual. (I) Legend: (SP) - Supporting pathogenic, (I) - Information, (SB) - Supporting benign

Stanford Center for Inherited Cardiovascular Disease, Stanford University
Classification: Pathogenic. Last evaluated: 2013-12-31. Review status: criteria provided, single submitter. Criteria: ACMG Guidelines, 2015. Collection method: provider interpretation. Allele origin: germline. Not counted in ClinVar's aggregate classification.

OMIM
Classification: Pathogenic for LONG QT SYNDROME 1. Last evaluated: 1996-01-01. Review status: no assertion criteria provided. Collection method: literature only. Allele origin: germline. Not counted in ClinVar's aggregate classification.

Cardiovascular Biomedical Research Unit, Royal Brompton & Harefield NHS Foundation Trust
No classification provided. Condition: Familial long QT syndrome. Review status: no classification provided. Collection method: literature only. Allele origin: germline. Not counted in ClinVar's aggregate classification.
Comment: This variant has been reported as associated with Long QT syndrome in the following publications (PMID:8528244;PMID:9386136;PMID:10973849;PMID:12820704;PMID:14678125;PMID:14756674;PMID:15466642;PMID:15840476;PMID:16937190;PMID:19716085;PMID:19841300;PMID:10376919;PMID:15234419;PMID:17470695;PMID:22456477). This is a literature report, and does not necessarily reflect the clinical interpretation of the Imperial College / Royal Brompton Cardiovascular Genetics laboratory.

Medical Research Institute, Tokyo Medical and Dental University
Classification: Likely pathogenic for Long QT syndrome. Review status: no assertion criteria provided. Collection method: research. Allele origin: germline. Affected: yes. Not counted in ClinVar's aggregate classification.

Literature cited by the submitters: PubMed 10973849 (cited by 4 submitters); PubMed 12820704 (cited by 4 submitters); PubMed 14678125 (cited by 3 submitters); PubMed 14756674 (cited by Ambry Genetics and Cardiovascular Biomedical Research Unit, Royal Brompton & Harefield NHS Foundation Trust); PubMed 15234419 (cited by 4 submitters); PubMed 15466642 (cited by 4 submitters); PubMed 15840476 (cited by 4 submitters); PubMed 16937190 (cited by 3 submitters); PubMed 17470695 (cited by 4 submitters); PubMed 19841300 (cited by 3 submitters); PubMed 22456477 (cited by 5 submitters); PubMed 22949429 (cited by Ambry Genetics); PubMed 26318259 (cited by Ambry Genetics); PubMed 27041096 (cited by Ambry Genetics); PubMed 28012188 (cited by Ambry Genetics); PubMed 28988457 (cited by Ambry Genetics); PubMed 29439887 (cited by 3 submitters); PubMed 8528244 (cited by 6 submitters); PubMed 9386136 (cited by 4 submitters); PubMed 19716085 (cited by 3 submitters); PubMed 10376919 (cited by 3 submitters); PubMed 16414944 (cited by 3billion); PubMed 34505893 (cited by Mayo Clinic Laboratories, Mayo Clinic); PubMed 19632626 (cited by Victorian Clinical Genetics Services, Murdoch Childrens Research Institute); PubMed 28438721 (cited by Victorian Clinical Genetics Services, Murdoch Childrens Research Institute); PubMed 22581653 (cited by Cardiovascular Biomedical Research Unit, Royal Brompton & Harefield NHS Foundation Trust); PubMed 26132555 (cited by Medical Research Institute, Tokyo Medical and Dental University).